The following is an entry in ClinVar:

NM_001182.5(ALDH7A1):c.1375A>T (p.Ile459Phe)

Gene: ALDH7A1 (aldehyde dehydrogenase 7 family member A1; minus strand). Cytogenetic location: 5q23.2.
Variant type: single nucleotide variant.
Coding change: c.1375A>T on transcript NM_001182.5 (MANE Select); coding-DNA position 1375, A replaced by T.
Protein change: p.Ile459Phe; replaces isoleucine 459 with phenylalanine.
Molecular consequence: missense variant.
Genome position (GRCh38, 1-based): chr5:126,550,236, T>A on the plus strand (A>T on the coding strand, the complement: ALDH7A1 is on the minus strand). VCF-style: chr5-126550236-T-A. GRCh37 (hg19) VCF-style: chr5-125885928-T-A.
Other names: p.I459F:ATC>TTC; c.1291A>T, p.Ile431Phe (NM_001201377.2); c.1183A>T, p.Ile395Phe (NM_001202404.2); short protein forms I459F, I395F, I431F.
Identifiers: ClinVar variation 204849 (VCV000204849.13), dbSNP rs186558364, ClinGen allele CA313205.

ClinVar aggregate classification (germline): Pathogenic/Likely pathogenic. Review status: criteria provided, multiple submitters, no conflicts (2 of 4 stars). 4 submissions from 4 submitters: Pathogenic (1); Likely pathogenic (3). Last evaluated 2025-10-16.

Conditions:
Pyridoxine-dependent epilepsy (EPEO4). Also called: Pyridoxine-Dependent Seizures; Pyridoxine-Dependent Epilepsy - ALDH7A1; PYRIDOXINE DEPENDENCY WITH SEIZURES; EPILEPSY, EARLY-ONSET, 4, VITAMIN B6-DEPENDENT. Identifiers: Orphanet 3006, MedGen C1849508, MONDO:0009945, OMIM 266100. Disease mechanism: loss of function.

Allele frequency attached by ClinVar (database versions not stated): gnomAD 0.00001; 1000 Genomes Project 30x 0.00016; 1000 Genomes Project 0.00020.
gnomAD v4.1: 12 of 1,613,602 alleles (0.00074%); highest among the groups gnomAD compares: Non-Finnish European, 0.001%; no homozygotes.

Submissions (4):

Labcorp Genetics (formerly Invitae), Labcorp
Classification: Pathogenic for Pyridoxine-dependent epilepsy. Last evaluated: 2025-10-16. Review status: criteria provided, single submitter. Criteria: Invitae Variant Classification Sherloc (09022015). Collection method: clinical testing. Allele origin: germline.
Comment: This sequence change replaces isoleucine, which is neutral and non-polar, with phenylalanine, which is neutral and non-polar, at codon 459 of the ALDH7A1 protein (p.Ile459Phe). This variant is present in population databases (rs186558364, gnomAD 0.002%). This missense change has been observed in individual(s) with clinical features of pyridoxine-dependent epilepsy (PMID: 20814824, 30043187; internal data). In at least one individual the data is consistent with being in trans (on the opposite chromosome) from a pathogenic variant. This variant is also known as p.Ile431Phe. ClinVar contains an entry for this variant (Variation ID: 204849). Invitae Evidence Modeling of protein sequence and biophysical properties (such as structural, functional, and spatial information, amino acid conservation, physicochemical variation, residue mobility, and thermodynamic stability) indicates that this missense variant is expected to disrupt ALDH7A1 protein function with a positive predictive value of 95%. Experimental studies have shown that this missense change affects ALDH7A1 function (PMID: 22784480). For these reasons, this variant has been classified as Pathogenic.

Women's Health and Genetics/Laboratory Corporation of America, LabCorp
Classification: Likely pathogenic for Pyridoxine-dependent epilepsy. Last evaluated: 2025-06-11. Review status: criteria provided, single submitter. Criteria: LabCorp Variant Classification Summary - May 2015. Collection method: clinical testing. Allele origin: germline.
Comment: Variant summary: ALDH7A1 c.1375A>T (p.Ile459Phe) results in a non-conservative amino acid change in the encoded protein sequence. Algorithms developed to predict the effect of missense changes on protein structure and function all suggest that this variant is likely to be disruptive. The variant allele was found at a frequency of 1.2e-05 in 251280 control chromosomes. c.1375A>T has been observed in the compound heterozygous state in individuals affected with Pyridoxine-Dependent Epilepsy (Sharer_2010, Coughlin_2019, Inernal Data). These data indicate that the variant may be associated with disease. At least one publication reports experimental evidence evaluating an impact on protein function. The most pronounced variant effect results in absent enzyme activity (Coulter-Mackie_2012). This variant is also known as I431F. The following publications have been ascertained in the context of this evaluation (PMID: 30043187, 22784480, 20814824). ClinVar contains an entry for this variant (Variation ID: 204849). Based on the evidence outlined above, the variant was classified as likely pathogenic.

Genome-Nilou Lab
Classification: Likely pathogenic for Pyridoxine-dependent epilepsy. Last evaluated: 2023-04-11. Review status: criteria provided, single submitter. Criteria: ACMG Guidelines, 2015. Collection method: clinical testing. Allele origin: germline. Affected: no.

GeneDx
Classification: Likely pathogenic. Last evaluated: 2012-08-06. Review status: criteria provided, single submitter. Criteria: GeneDx Variant Classification (06012015). Collection method: clinical testing. Allele origin: germline. Affected: yes.
Comment: p.Ile459Phe (ATC>TTC):c.1375 A>T in exon 15 of the ALDH7A1 gene (NM_001182.3). The Ile459Phe missense change was previously detected in a patient with pyridoxine-dependent epilepsy (PDE) and was reported as Ile431Phe due to the use of alternative nomenclature (Scharer et al., 2010). This patient was reported to be heterozygous for both Ile459Phe and a second mutation in the ALDH7A1 gene; however, no information was provided about whether parental studies were performed to confirm the mutations were on opposite alleles (in trans) in the affected individual. The Ile459Phe missense change alters a position that is conserved across species and in related proteins, and many other missense mutations have been reported at neighboring codons in association with PDE. Additionally, in silico protein modeling suggests that Ile459Phe may alter the secondary structure of the protein (Scharer et al., 2010). Therefore, Ile459Phe is a strong candidate to be a disease-causing mutation, although the possibility that it is a benign variant cannot be completely excluded based on the evidence currently available. The variant is found in INFANT-EPI panel(s).

Literature cited by the submitters: PubMed 20814824 (cited by Labcorp Genetics (formerly Invitae), Labcorp and Women's Health and Genetics/Laboratory Corporation of America, LabCorp); PubMed 30043187 (cited by Labcorp Genetics (formerly Invitae), Labcorp and Women's Health and Genetics/Laboratory Corporation of America, LabCorp); PubMed 22784480 (cited by Labcorp Genetics (formerly Invitae), Labcorp and Women's Health and Genetics/Laboratory Corporation of America, LabCorp).